The following is an entry in ClinVar:

ClinVar aggregate classification (germline): Uncertain significance (1 of 4 stars; one submission).

Conditions:
Inborn genetic diseases. Identifiers: MedGen C0950123, MeSH D030342.

Submission:

Ambry Genetics
Classification: Uncertain significance for Inborn genetic diseases. Last evaluated: 2026-05-03. Review status: criteria provided, single submitter. Criteria: Ambry Variant Classification Scheme 2023. Collection method: clinical testing. Allele origin: germline.
Comment: The p.L436H variant (also known as c.1307T>A), located in coding exon 13 of the DDX41 gene, results from a T to A substitution at nucleotide position 1307. The leucine at codon 436 is replaced by histidine, an amino acid with similar properties. This amino acid position is conserved. In addition, this alteration is predicted to be deleterious by in silico analysis. Based on the available evidence, the clinical significance of this variant remains unclear.

NM_016222.4(DDX41):c.1307T>A (p.Leu436His)

Gene: DDX41 (DEAD-box helicase 41; minus strand). Cytogenetic location: 5q35.3.
Variant type: single nucleotide variant.
Coding change: c.1307T>A on transcript NM_016222.4 (MANE Select); coding-DNA position 1307, T replaced by A.
Protein change: p.Leu436His; replaces leucine 436 with histidine.
Molecular consequence: missense variant.
Genome position (GRCh38, 1-based): chr5:177,512,872, A>T on the plus strand (T>A on the coding strand, the complement: DDX41 is on the minus strand). VCF-style: chr5-177512872-A-T. GRCh37 (hg19) VCF-style: chr5-176939873-A-T.
Other names: c.929T>A, p.Leu310His (NM_001321732.2, NM_001321830.2); short protein forms L310H, L436H.
Identifiers: ClinVar variation 4869669 (VCV004869669.1).